The following is an entry in ClinVar:

ClinVar aggregate classification (germline): Conflicting classifications of pathogenicity. Review status: criteria provided, conflicting classifications (1 of 4 stars). 2 submissions from 2 submitters: Uncertain significance (1); Likely benign (1). Last evaluated 2025-10-15.

Conditions:
Inborn genetic diseases. Identifiers: MedGen C0950123, MeSH D030342.
Combined immunodeficiency due to DOCK8 deficiency (HIES2). Also called: HIES autosomal recessive; DOCK8 Deficiency; Hyper-IgE recurrent infection syndrome, autosomal recessive; HYPER-IgE RECURRENT INFECTION SYNDROME 2, AUTOSOMAL RECESSIVE; HYPER-IgE SYNDROME 2, AUTOSOMAL RECESSIVE, WITH RECURRENT INFECTIONS. Identifiers: Orphanet 217390, MedGen C4722305, MONDO:0009478, OMIM 243700.

Allele frequency attached by ClinVar (database versions not stated): TOPMed below 0.00001; gnomAD 0.00001.
gnomAD v4.1: 14 of 1,613,582 alleles (0.00087%); highest among the groups gnomAD compares: Middle Eastern, 0.033%; no homozygotes.

Submissions (2):

Ambry Genetics
Classification: Likely benign for Inborn genetic diseases. Last evaluated: 2025-10-15. Review status: criteria provided, single submitter. Criteria: Ambry Variant Classification Scheme 2023. Collection method: clinical testing. Allele origin: germline.

Labcorp Genetics (formerly Invitae), Labcorp
Classification: Uncertain significance for Combined immunodeficiency due to DOCK8 deficiency. Last evaluated: 2024-03-28. Review status: criteria provided, single submitter. Criteria: Invitae Variant Classification Sherloc (09022015). Collection method: clinical testing. Allele origin: germline.
Comment: This sequence change affects codon 276 of the DOCK8 mRNA. It is a 'silent' change, meaning that it does not change the encoded amino acid sequence of the DOCK8 protein. It affects a nucleotide within the consensus splice site. This variant is present in population databases (no rsID available, gnomAD 0.003%). This variant has not been reported in the literature in individuals affected with DOCK8-related conditions. ClinVar contains an entry for this variant (Variation ID: 2144581). Algorithms developed to predict the effect of sequence changes on RNA splicing suggest that this variant is not likely to affect RNA splicing. In summary, the available evidence is currently insufficient to determine the role of this variant in disease. Therefore, it has been classified as a Variant of Uncertain Significance.

NM_203447.4(DOCK8):c.828G>A (p.Lys276=)

Gene: DOCK8 (dedicator of cytokinesis 8; plus strand). Cytogenetic location: 9p24.3.
Variant type: single nucleotide variant.
Coding change: c.828G>A on transcript NM_203447.4 (MANE Select); coding-DNA position 828, G replaced by A.
Protein change: p.Lys276=; no amino-acid change (lysine 276 retained).
Molecular consequence: synonymous variant.
Genome position (GRCh38, 1-based): chr9:325,671, G>A. VCF-style: chr9-325671-G-A. GRCh37 (hg19) VCF-style: chr9-325671-G-A.
Other names: c.624G>A, p.Lys208= (NM_001190458.2, NM_001193536.2).
Identifiers: ClinVar variation 2144581 (VCV002144581.4), dbSNP rs1156965453, ClinGen allele CA463681822.